The following is an entry in ClinVar:

NM_007215.4(POLG2):c.743C>A (p.Ser248Ter)

Genes: MILR1 (mast cell immunoglobulin like receptor 1; plus strand), POLG2 (DNA polymerase gamma 2, accessory subunit; minus strand). Cytogenetic location: 17q23.3.
Variant type: single nucleotide variant.
Coding change: c.743C>A on transcript NM_007215.4 (MANE Select); coding-DNA position 743, C replaced by A.
Protein change: p.Ser248Ter; replaces serine 248 with a stop codon.
Molecular consequence: nonsense.
Genome position (GRCh38, 1-based): chr17:64,492,719, G>T on the plus strand (C>A on the coding strand, the complement: POLG2 is on the minus strand). VCF-style: chr17-64492719-G-T. GRCh37 (hg19) VCF-style: chr17-62488836-G-T.
Other names: c.743C>A (NM_007215.3); short protein forms S248*.
Identifiers: ClinVar variation 1385688 (VCV001385688.7), dbSNP rs1316363979, ClinGen allele CA400639047.
Genomic context (GRCh38, chr17:64,492,719, plus strand): 5'-TGCAGTACCTTTCTCCACCACTGGAGTCGATGACGTAACCAGAAATCAAGCCACTGGTTT[G>T]AAGTTCTCGGAGGAGTAAACCATACTAACGAAGCTTCAGTCTTCTCACCAATACTTTAGA-3'

ClinVar aggregate classification (germline): Pathogenic/Likely pathogenic. Review status: criteria provided, multiple submitters, no conflicts (2 of 4 stars). 2 submissions from 2 submitters: Pathogenic (1); Likely pathogenic (1). Last evaluated 2025-02-26.

Allele frequency attached by ClinVar (database versions not stated): gnomAD exomes 0.00001.
gnomAD v4.1: 13 of 1,613,296 alleles (0.00081%); highest among the groups gnomAD compares: African/African-American, 0.0013%; no homozygotes.

Submissions (2):

GeneDx
Classification: Likely pathogenic. Last evaluated: 2025-02-26. Review status: criteria provided, single submitter. Criteria: GeneDx Variant Classification Process June 2021. Collection method: clinical testing. Allele origin: germline. Affected: yes.
Comment: Nonsense variant predicted to result in protein truncation or nonsense mediated decay in a gene for which loss of function is a known mechanism of disease; Not observed at significant frequency in large population cohorts (gnomAD); Has not been previously published as pathogenic or benign to our knowledge

Labcorp Genetics (formerly Invitae), Labcorp
Classification: Pathogenic. Last evaluated: 2021-09-06. Review status: criteria provided, single submitter. Criteria: Invitae Variant Classification Sherloc (09022015). Collection method: clinical testing. Allele origin: germline.
Comment: For these reasons, this variant has been classified as Pathogenic. This variant has not been reported in the literature in individuals affected with POLG2-related conditions. This variant is not present in population databases (ExAC no frequency). This sequence change creates a premature translational stop signal (p.Ser248*) in the POLG2 gene. It is expected to result in an absent or disrupted protein product. Loss-of-function variants in POLG2 are known to be pathogenic (PMID: 28078310, 29625556).

Literature cited by the submitters: PubMed 28078310 (cited by Labcorp Genetics (formerly Invitae), Labcorp); PubMed 29625556 (cited by Labcorp Genetics (formerly Invitae), Labcorp).